The following is an entry in ClinVar:

NM_001082971.2(DDC):c.816A>C (p.Ala272=)

Gene: DDC (dopa decarboxylase; minus strand). Cytogenetic location: 7p12.2.
Variant type: single nucleotide variant.
Coding change: c.816A>C on transcript NM_001082971.2 (MANE Select); coding-DNA position 816, A replaced by C.
Protein change: p.Ala272=; no amino-acid change (alanine 272 retained).
Molecular consequence: synonymous variant.
Genome position (GRCh38, 1-based): chr7:50,499,208, T>G on the plus strand (A>C on the coding strand, the complement: DDC is on the minus strand). VCF-style: chr7-50499208-T-G. GRCh37 (hg19) VCF-style: chr7-50566906-T-G.
Other names: c.816A>C, p.Ala272= (NM_000790.4, NM_001242890.2); c.702A>C, p.Ala234= (NM_001242886.2); c.672A>C, p.Ala224= (NM_001242887.2); c.582A>C, p.Ala194= (NM_001242888.2); c.537A>C, p.Ala179= (NM_001242889.2).
Identifiers: ClinVar variation 753732 (VCV000753732.25), dbSNP rs767990522, ClinGen allele CA4262225.

ClinVar aggregate classification (germline): Conflicting classifications of pathogenicity. Review status: criteria provided, conflicting classifications (1 of 4 stars). 3 submissions from 3 submitters: Uncertain significance (1); Likely benign (2). Last evaluated 2025-11-19.

Conditions:
Deficiency of aromatic-L-amino-acid decarboxylase. Also called: Aromatic amino acid decarboxylase deficiency; DOPA DECARBOXYLASE DEFICIENCY; AADC DEFICIENCY; DDC DEFICIENCY; Aromatic L-Amino Acid Decarboxylase Deficiency. Identifiers: Orphanet 35708, MedGen C1291564, MONDO:0012084, OMIM 608643.

Allele frequency attached by ClinVar (database versions not stated): ExAC 0.00003; gnomAD exomes 0.00003 and 0.00004; TOPMed 0.00005; gnomAD 0.00006.
gnomAD v4.1: 64 of 1,613,874 alleles (0.004%); highest among the groups gnomAD compares: Middle Eastern, 0.049%; 1 homozygote.

Submissions (3):

Labcorp Genetics (formerly Invitae), Labcorp
Classification: Likely benign for Deficiency of aromatic-L-amino-acid decarboxylase. Last evaluated: 2025-11-19. Review status: criteria provided, single submitter. Criteria: Invitae Variant Classification Sherloc (09022015). Collection method: clinical testing. Allele origin: germline.

CeGaT Center for Human Genetics Tuebingen
Classification: Likely benign. Last evaluated: 2025-01-01. Review status: criteria provided, single submitter. Criteria: CeGaT Center For Human Genetics Tuebingen Variant Classification Criteria Version 2. Collection method: clinical testing. Allele origin: germline. Affected: yes. Observed: 1 variant allele.
Comment: DDC: BP4, BP7

Illumina Laboratory Services, Illumina
Classification: Uncertain significance for Deficiency of aromatic-L-amino-acid decarboxylase. Last evaluated: 2018-01-13. Review status: criteria provided, single submitter. Criteria: ICSL Variant Classification Criteria 13 December 2019. Collection method: clinical testing. Allele origin: germline.